The following is an entry in ClinVar:

ClinVar aggregate classification (germline): Uncertain significance. Review status: criteria provided, multiple submitters, no conflicts (2 of 4 stars). 4 submissions from 4 submitters: Uncertain significance (4). Last evaluated 2024-03-31.

Conditions:
Inborn genetic diseases. Identifiers: MedGen C0950123, MeSH D030342.
Familial hemophagocytic lymphohistiocytosis 3 (FHL3). Also called: UNC13D-Related Familial Hemophagocytic Lymphohistiocytosis (UNC13D-fHLH). Identifiers: Orphanet 540, MedGen C1837174, MONDO:0012146, OMIM 608898.

Allele frequency attached by ClinVar (database versions not stated): gnomAD exomes 0.00002; TOPMed 0.00002; ExAC 0.00003; gnomAD 0.00003.
gnomAD v4.1: 29 of 1,593,866 alleles (0.0018%); highest among the groups gnomAD compares: Non-Finnish European, 0.0025%; no homozygotes.

Submissions (4):

Ambry Genetics
Classification: Uncertain significance for Inborn genetic diseases. Last evaluated: 2024-03-31. Review status: criteria provided, single submitter. Criteria: Ambry Variant Classification Scheme 2023. Collection method: clinical testing. Allele origin: germline.

Labcorp Genetics (formerly Invitae), Labcorp
Classification: Uncertain significance for Familial hemophagocytic lymphohistiocytosis 3. Last evaluated: 2021-09-01. Review status: criteria provided, single submitter. Criteria: Invitae Variant Classification Sherloc (09022015). Collection method: clinical testing. Allele origin: germline.

Genetic Services Laboratory, University of Chicago
Classification: Uncertain significance. Last evaluated: 2021-06-07. Review status: criteria provided, single submitter. Criteria: ACMG Guidelines, 2015. Collection method: clinical testing. Allele origin: germline. Affected: no.
Comment: DNA sequence analysis of the UNC13D gene demonstrated a sequence change, c.2254C>A, in exon 23 that results in an amino acid change, p.Leu752Met. This sequence change has been described in gnomAD with a frequency of 0.0042% in the Non-Finnish European sub-population (dbSNP rs756749933). The p.Leu752Met change affects a moderately conserved amino acid residue located in a domain of the UNC13D protein that is not known to be functional. In-silico pathogenicity prediction tools (SIFT, PolyPhen2, Align GVGD, REVEL) provide contradictory results for the p.Leu752Met substitution. This sequence change does not appear to have been previously described in patients with UNC13D-related disorders. Due to the lack of sufficient evidences, the clinical significance, the clinical significance of the p.Leu752Met change remains unknown at this time.

Illumina Laboratory Services, Illumina
Classification: Uncertain significance for Familial hemophagocytic lymphohistiocytosis 3. Last evaluated: 2018-01-13. Review status: criteria provided, single submitter. Criteria: ICSL Variant Classification Criteria 13 December 2019. Collection method: clinical testing. Allele origin: germline.

NM_199242.3(UNC13D):c.2254C>A (p.Leu752Met)

Gene: UNC13D (unc-13 homolog D; minus strand). Cytogenetic location: 17q25.1.
Variant type: single nucleotide variant.
Coding change: c.2254C>A on transcript NM_199242.3 (MANE Select); coding-DNA position 2254, C replaced by A.
Protein change: p.Leu752Met; replaces leucine 752 with methionine.
Molecular consequence: missense variant.
Genome position (GRCh38, 1-based): chr17:75,834,369, G>T on the plus strand (C>A on the coding strand, the complement: UNC13D is on the minus strand). VCF-style: chr17-75834369-G-T. GRCh37 (hg19) VCF-style: chr17-73830450-G-T.
Other names: short protein forms L752M.
Identifiers: ClinVar variation 325253 (VCV000325253.14), dbSNP rs756749933, ClinGen allele CA8772627.